The following is an entry in ClinVar:

NM_001083962.2(TCF4):c.691A>G (p.Ser231Gly)

Gene: TCF4 (transcription factor 4; minus strand). Cytogenetic location: 18q21.2.
Variant type: single nucleotide variant.
Coding change: c.691A>G on transcript NM_001083962.2 (MANE Select); coding-DNA position 691, A replaced by G.
Protein change: p.Ser231Gly; replaces serine 231 with glycine.
Molecular consequence: missense variant.
Genome position (GRCh38, 1-based): chr18:55,275,717, T>C on the plus strand (A>G on the coding strand, the complement: TCF4 is on the minus strand). VCF-style: chr18-55275717-T-C. GRCh37 (hg19) VCF-style: chr18-52942948-T-C.
Other names: c.691A>G, p.Ser231Gly (NM_001330604.3, NM_001369574.1, NM_001369567.1 and 4 more transcripts); c.301A>G, p.Ser101Gly (NM_001330605.3, NM_001348212.2, NM_001348213.2 and 1 more transcripts); c.565A>G, p.Ser189Gly (NM_001348211.2, NM_001243231.2); c.211A>G, p.Ser71Gly (NM_001348214.2, NM_001348216.2, NM_001243234.2 and 2 more transcripts); c.43A>G, p.Ser15Gly (NM_001348215.2); c.619A>G, p.Ser207Gly (NM_001348217.1, NM_001348218.2, NM_001369575.1 and 9 more transcripts); c.616A>G, p.Ser206Gly (NM_001369576.1, NM_001369578.1, NM_001369581.1 and 3 more transcripts); c.997A>G, p.Ser333Gly (NM_001243226.3); and 4 more; short protein forms S160G, S229G, S230G, S231G, S71G, S206G, S207G, S333G.
Identifiers: ClinVar variation 1397249 (VCV001397249.6), dbSNP rs2061384063, ClinGen allele CA402701611.

ClinVar aggregate classification (germline): Uncertain significance (1 of 4 stars; one submission).

Conditions:
Pitt-Hopkins syndrome (PTHS). Also called: ENCEPHALOPATHY, SEVERE EPILEPTIC, WITH AUTONOMIC DYSFUNCTION; MENTAL RETARDATION, SYNDROMAL, WITH INTERMITTENT HYPERVENTILATION. Identifiers: Orphanet 2896, MedGen C1970431, MONDO:0012589, OMIM 610954.

Allele frequency attached by ClinVar (database versions not stated): TOPMed below 0.00001.

Submission:

Labcorp Genetics (formerly Invitae), Labcorp
Classification: Uncertain significance for Pitt-Hopkins syndrome. Last evaluated: 2024-12-02. Review status: criteria provided, single submitter. Criteria: Invitae Variant Classification Sherloc (09022015). Collection method: clinical testing. Allele origin: germline.
Comment: This sequence change replaces serine, which is neutral and polar, with glycine, which is neutral and non-polar, at codon 231 of the TCF4 protein (p.Ser231Gly). This variant is not present in population databases (gnomAD no frequency). This variant has not been reported in the literature in individuals affected with TCF4-related conditions. ClinVar contains an entry for this variant (Variation ID: 1397249). Invitae Evidence Modeling of protein sequence and biophysical properties (such as structural, functional, and spatial information, amino acid conservation, physicochemical variation, residue mobility, and thermodynamic stability) indicates that this missense variant is not expected to disrupt TCF4 protein function with a negative predictive value of 95%. In summary, the available evidence is currently insufficient to determine the role of this variant in disease. Therefore, it has been classified as a Variant of Uncertain Significance.